The following is an entry in ClinVar:

ClinVar aggregate classification (germline): Pathogenic/Likely pathogenic. Review status: no assertion criteria provided (0 of 4 stars). 2 submissions from 2 submitters: Pathogenic (1); Likely pathogenic (1).

Conditions:
Cohen syndrome (COH1). Also called: PEPPER SYNDROME; Cutis verticis gyrata, retinitis pigmentosa, and sensorineural deafness. Identifiers: Orphanet 193, MedGen C0265223, MONDO:0008999, OMIM 216550.

Submissions (2):

Juha Muilu Group; Institute for Molecular Medicine Finland (FIMM)
Classification: Likely pathogenic for Cohen syndrome. Review status: no assertion criteria provided. Collection method: not provided. Allele origin: unknown.
Comment: FinDis database variant: This variant was not found or characterized by our laboratory, data were collected from public sources: see reference
ClinVar note: Converted during submission from probable-pathogenic to Likely pathogenic.

SNPedia
Classification: Pathogenic. Review status: no assertion criteria provided. Collection method: not provided. Allele origin: germline.
ClinVar note: Converted during submission from pathogenic to Pathogenic.

NM_152564.5(VPS13B):c.2727_2730dup (p.Asn911fs)

Gene: VPS13B (vacuolar protein sorting 13 homolog B; plus strand). Cytogenetic location: 8q22.2.
Variant type: Duplication.
Coding change: c.2727_2730dup on transcript NM_152564.5 (MANE Select); coding-DNA positions 2727 to 2730, 4 bases duplicated (GCTC; older notation c.2727_2730dupGCTC).
Protein change: p.Asn911fs; shifts the reading frame from asparagine 911.
Molecular consequence: frameshift variant.
Genome position (GRCh38, 1-based): chr8:99,275,157-99,275,160, GCTC duplicated. VCF-style (leftmost placement, unchanged base first): chr8-99275156-G-GGCTC. GRCh37 (hg19) VCF-style: chr8-100287384-G-GGCTC.
Other names: c.2727_2730dupGCTC (NM_017890.4); c.2727_2730dup, p.Asn911fs (NM_017890.5); short protein forms N911fs.
Identifiers: ClinVar variation 56654 (VCV000056654.2), dbSNP rs180177357, ClinGen allele CA264052.